The following is an entry in ClinVar:

ClinVar aggregate classification (germline): Likely pathogenic (1 of 4 stars; one submission).

Allele frequency attached by ClinVar (database versions not stated): gnomAD exomes below 0.00001.

Submission:

GeneDx
Classification: Likely pathogenic. Last evaluated: 2026-03-31. Review status: criteria provided, single submitter. Criteria: GeneDx Variant Classification Process June 2021. Collection method: clinical testing. Allele origin: germline.
Comment: Not observed at significant frequency in large population cohorts (gnomAD); In silico analysis suggests that this missense variant does not alter protein structure/function; Has not been previously published as pathogenic or benign to our knowledge

NM_000937.5(POLR2A):c.5734A>G (p.Thr1912Ala)

Gene: POLR2A (RNA polymerase II subunit A; plus strand). Cytogenetic location: 17p13.1.
Variant type: single nucleotide variant.
Coding change: c.5734A>G on transcript NM_000937.5 (MANE Select); coding-DNA position 5734, A replaced by G.
Protein change: p.Thr1912Ala; replaces threonine 1912 with alanine.
Molecular consequence: missense variant.
Genome position (GRCh38, 1-based): chr17:7,514,000, A>G. VCF-style: chr17-7514000-A-G. GRCh37 (hg19) VCF-style: chr17-7417317-A-G.
Other names: short protein forms T1912A.
Identifiers: ClinVar variation 1800795 (VCV001800795.2), dbSNP rs2508206458, ClinGen allele CA397839398.